The following is an entry in ClinVar:

NM_000057.4(BLM):c.2829C>G (p.Ile943Met)

Gene: BLM (BLM RecQ like helicase; plus strand). Cytogenetic location: 15q26.1.
Variant type: single nucleotide variant.
Coding change: c.2829C>G on transcript NM_000057.4 (MANE Select); coding-DNA position 2829, C replaced by G.
Protein change: p.Ile943Met; replaces isoleucine 943 with methionine.
Molecular consequence: missense variant.
Genome position (GRCh38, 1-based): chr15:90,790,654, C>G. VCF-style: chr15-90790654-C-G. GRCh37 (hg19) VCF-style: chr15-91333884-C-G.
Other names: c.2829C>G, p.Ile943Met (NM_001287246.2, NM_001287247.2); c.1704C>G, p.Ile568Met (NM_001287248.2); short protein forms I568M, I943M.
Identifiers: ClinVar variation 821865 (VCV000821865.9), dbSNP rs1596257034, ClinGen allele CA393846227.

ClinVar aggregate classification (germline): Uncertain significance. Review status: criteria provided, multiple submitters, no conflicts (2 of 4 stars). 3 submissions from 3 submitters: Uncertain significance (2). 1 of the submissions does not count toward it. Last evaluated 2025-12-24.

Conditions:
Hereditary cancer-predisposing syndrome. Also called: Tumor predisposition; Hereditary Cancer Syndrome; Neoplastic Syndromes, Hereditary; Hereditary neoplastic syndrome. Identifiers: Orphanet 140162, MedGen C0027672, MeSH D009386, MONDO:0015356.
Bloom syndrome (BLM). Also called: Bloom-Torre-Machacek syndrome. Identifiers: Orphanet 125, MedGen C0005859, MONDO:0008876, OMIM 210900.

Allele frequency attached by ClinVar (database versions not stated): gnomAD exomes below 0.00001.
gnomAD v4.1: 1 of 1,614,012 alleles (0.000062%); highest among the groups gnomAD compares: Non-Finnish European, 0.000085%; no homozygotes.

Submissions (3):

Labcorp Genetics (formerly Invitae), Labcorp
Classification: Uncertain significance for Bloom syndrome. Last evaluated: 2025-12-24. Review status: criteria provided, single submitter. Criteria: Invitae Variant Classification Sherloc (09022015). Collection method: clinical testing. Allele origin: germline.
Comment: This sequence change replaces isoleucine, which is neutral and non-polar, with methionine, which is neutral and non-polar, at codon 943 of the BLM protein (p.Ile943Met). This variant is not present in population databases (gnomAD no frequency). This variant has not been reported in the literature in individuals affected with BLM-related conditions. ClinVar contains an entry for this variant (Variation ID: 821865). Invitae Evidence Modeling of protein sequence and biophysical properties (such as structural, functional, and spatial information, amino acid conservation, physicochemical variation, residue mobility, and thermodynamic stability) indicates that this missense variant is not expected to disrupt BLM protein function with a negative predictive value of 80%. In summary, the available evidence is currently insufficient to determine the role of this variant in disease. Therefore, it has been classified as a Variant of Uncertain Significance.

Ambry Genetics
Classification: Uncertain significance for Hereditary cancer-predisposing syndrome. Last evaluated: 2025-02-09. Review status: criteria provided, single submitter. Criteria: Ambry Variant Classification Scheme 2023. Collection method: clinical testing. Allele origin: germline.
Comment: The p.I943M variant (also known as c.2829C>G), located in coding exon 14 of the BLM gene, results from a C to G substitution at nucleotide position 2829. The isoleucine at codon 943 is replaced by methionine, an amino acid with highly similar properties. This amino acid position is well conserved in available vertebrate species. In addition, the in silico prediction for this alteration is inconclusive. Since supporting evidence is limited at this time, the clinical significance of this alteration remains unclear.

Natera, Inc.
Classification: Uncertain significance for Bloom syndrome. Last evaluated: 2018-10-15. Review status: no assertion criteria provided. Collection method: clinical testing. Allele origin: germline. Not counted in ClinVar's aggregate classification.